The following is an entry in ClinVar:

ClinVar aggregate classification (germline): Uncertain significance (1 of 4 stars; one submission).

Conditions:
EP300-related disorder. Also called: EP300-related disorders; EP300-related condition.

Allele frequency attached by ClinVar (database versions not stated): TOPMed below 0.00001.

Submission:

PreventionGenetics, part of Exact Sciences
Classification: Uncertain significance for EP300-related condition. Last evaluated: 2023-01-11. Review status: criteria provided, single submitter. Criteria: ACMG Guidelines, 2015. Collection method: clinical testing. Allele origin: germline.
Comment: The EP300 c.7142G>A variant is predicted to result in the amino acid substitution p.Gly2381Asp. To our knowledge, this variant has not been reported in the literature. This variant is reported in 0.0054% of alleles in individuals of East Asian descent in gnomAD. At this time, the clinical significance of this variant is uncertain due to the absence of conclusive functional and genetic evidence.

NM_001429.4(EP300):c.7142G>A (p.Gly2381Asp)

Gene: EP300 (E1A binding protein p300; plus strand). Cytogenetic location: 22q13.2.
Variant type: single nucleotide variant.
Coding change: c.7142G>A on transcript NM_001429.4 (MANE Select); coding-DNA position 7142, G replaced by A.
Protein change: p.Gly2381Asp; replaces glycine 2381 with aspartic acid.
Molecular consequence: missense variant.
Genome position (GRCh38, 1-based): chr22:41,178,853, G>A. VCF-style: chr22-41178853-G-A. GRCh37 (hg19) VCF-style: chr22-41574857-G-A.
Other names: c.7064G>A, p.Gly2355Asp (NM_001362843.2); short protein forms G2355D, G2381D.
Identifiers: ClinVar variation 2629705 (VCV002629705.1), dbSNP rs1283234127, ClinGen allele CA411684560.